The following is an entry in ClinVar:

ClinVar aggregate classification (germline): Uncertain significance (1 of 4 stars; one submission).

gnomAD v4.1: 7 of 1,549,186 alleles (0.00045%); highest among the groups gnomAD compares: Non-Finnish European, 0.00061%; no homozygotes.

Submission:

Labcorp Genetics (formerly Invitae), Labcorp
Classification: Uncertain significance. Last evaluated: 2025-08-25. Review status: criteria provided, single submitter. Criteria: Invitae Variant Classification Sherloc (09022015). Collection method: clinical testing. Allele origin: germline.
Comment: This sequence change replaces alanine, which is neutral and non-polar, with threonine, which is neutral and polar, at codon 1186 of the MYH7B protein (p.Ala1186Thr). This variant is present in population databases (rs765353897, gnomAD 0.001%). This variant has not been reported in the literature in individuals affected with MYH7B-related conditions. Invitae Evidence Modeling of protein sequence and biophysical properties (such as structural, functional, and spatial information, amino acid conservation, physicochemical variation, residue mobility, and thermodynamic stability) indicates that this missense variant is not expected to disrupt MYH7B protein function with a negative predictive value of 80%. In summary, the available evidence is currently insufficient to determine the role of this variant in disease. Therefore, it has been classified as a Variant of Uncertain Significance.

NM_020884.7(MYH7B):c.3430G>A (p.Ala1144Thr)

Gene: MYH7B (myosin heavy chain 7B; plus strand). Cytogenetic location: 20q11.22.
Variant type: single nucleotide variant.
Coding change: c.3430G>A on transcript NM_020884.7 (MANE Select); coding-DNA position 3430, G replaced by A.
Protein change: p.Ala1144Thr; replaces alanine 1144 with threonine.
Molecular consequence: missense variant.
Genome position (GRCh38, 1-based): chr20:34,997,323, G>A. VCF-style: chr20-34997323-G-A. GRCh37 (hg19) VCF-style: chr20-33585126-G-A.
Other names: short protein forms A1144T.
Identifiers: ClinVar variation 4768637 (VCV004768637.1).